The following is an entry in ClinVar:

NM_153704.6(TMEM67):c.2928T>C (p.Asn976=)

Gene: TMEM67 (transmembrane protein 67; plus strand). Cytogenetic location: 8q22.1.
Variant type: single nucleotide variant.
Coding change: c.2928T>C on transcript NM_153704.6 (MANE Select); coding-DNA position 2928, T replaced by C.
Protein change: p.Asn976=; no amino-acid change (asparagine 976 retained).
Molecular consequence: synonymous variant. On other transcripts: non-coding transcript variant (1).
Genome position (GRCh38, 1-based): chr8:93,816,392, T>C. VCF-style: chr8-93816392-T-C. GRCh37 (hg19) VCF-style: chr8-94828620-T-C.
Other names: c.2685T>C, p.Asn895= (NM_001142301.1).
Identifiers: ClinVar variation 363928 (VCV000363928.16), dbSNP rs369812327, ClinGen allele CA4808435.
Genomic context (GRCh38, chr8:93,816,392, plus strand): 5'-TTTATATTTCTTTTCATTCTGAATTGTTTTAATTTTCCAGATTTTTAGATATATCCGTAA[T>C]ACAGTAGGACAAAAGAATTTGGCATCCAAAACATTGGTGGATCAAAGATTTTTGATTTAA-3'
Protein context (NP_714915.3, residues 966-986): LQQEIFRYIR[Asn976=]TVGQKNLASK

ClinVar aggregate classification (germline): Conflicting classifications of pathogenicity. Review status: criteria provided, conflicting classifications (1 of 4 stars). 6 submissions from 4 submitters: Uncertain significance (3); Likely benign (2). 1 of the submissions does not count toward it. Last evaluated 2025-09-28.

Conditions:
TMEM67-related disorder. Also called: TMEM67-related disorders; TMEM67-related condition. Identifiers: MedGen CN239423.
Meckel-Gruber syndrome. Also called: Dysencephalia splachnocystica; DYSENCEPHALIA SPLANCHNOCYSTICA; GRUBER SYNDROME. Identifiers: Orphanet 564, MedGen C0265215, MONDO:0018921.
Joubert syndrome. Also called: JOUBERT-BOLTSHAUSER SYNDROME; Familial aplasia of the vermis. Identifiers: Orphanet 475, MedGen C5979921, MONDO:0018772.
Joubert syndrome 6 (JBTS6). Identifiers: Orphanet 475, MedGen C1853153, MONDO:0012539, OMIM 610688.
Nephronophthisis 11 (NPHP11). Identifiers: Orphanet 84081, MedGen C3150796, MONDO:0013302, OMIM 613550.
Meckel syndrome, type 3 (MKS3). Also called: MECKEL-GRUBER SYNDROME, TYPE 3. Identifiers: Orphanet 564, MedGen C1846357, MONDO:0011821, OMIM 607361.

Allele frequency attached by ClinVar (database versions not stated): ExAC 0.00001; gnomAD exomes 0.00002 and 0.00008; TOPMed 0.00002; gnomAD 0.00005; ESP Exome Variant Server 0.00008.
gnomAD v4.1: 123 of 1,578,664 alleles (0.0078%); highest among the groups gnomAD compares: Non-Finnish European, 0.011%; no homozygotes.

Submissions (6):

Labcorp Genetics (formerly Invitae), Labcorp
Classification: Likely benign for Joubert syndrome; Meckel-Gruber syndrome. Last evaluated: 2025-09-28. Review status: criteria provided, single submitter. Criteria: Invitae Variant Classification Sherloc (09022015). Collection method: clinical testing. Allele origin: germline.

Blueprint Genetics
Classification: Likely benign. Last evaluated: 2024-02-21. Review status: criteria provided, single submitter. Criteria: ACMG Guidelines, 2015. Collection method: clinical testing. Allele origin: germline.

Illumina Laboratory Services, Illumina
Classification: Uncertain significance for Nephronophthisis 11. Last evaluated: 2018-01-13. Review status: criteria provided, single submitter. Criteria: ICSL Variant Classification Criteria 13 December 2019. Collection method: clinical testing. Allele origin: germline.

Illumina Laboratory Services, Illumina
Classification: Uncertain significance for Joubert syndrome 6. Last evaluated: 2018-01-13. Review status: criteria provided, single submitter. Criteria: ICSL Variant Classification Criteria 13 December 2019. Collection method: clinical testing. Allele origin: germline.

Illumina Laboratory Services, Illumina
Classification: Uncertain significance for Meckel syndrome, type 3. Last evaluated: 2018-01-13. Review status: criteria provided, single submitter. Criteria: ICSL Variant Classification Criteria 13 December 2019. Collection method: clinical testing. Allele origin: germline.

PreventionGenetics, part of Exact Sciences
Classification: Likely benign for TMEM67-related condition. Last evaluated: 2024-08-07. Review status: no assertion criteria provided. Collection method: clinical testing. Allele origin: germline. Not counted in ClinVar's aggregate classification.
Comment: This variant is classified as likely benign based on ACMG/AMP sequence variant interpretation guidelines (Richards et al. 2015 PMID: 25741868, with internal and published modifications).